The following is an entry in ClinVar:

NM_000535.7(PMS2):c.1046dup (p.Leu350fs)

Gene: PMS2 (PMS1 homolog 2, mismatch repair system component; minus strand). Cytogenetic location: 7p22.1.
Variant type: Duplication.
Coding change: c.1046dup on transcript NM_000535.7 (MANE Select); coding-DNA position 1046, one base duplicated (A; older notation c.1046dupA).
Protein change: p.Leu350fs; shifts the reading frame from leucine 350.
Molecular consequence: frameshift variant. On other transcripts: non-coding transcript variant (1), intron variant (2).
Genome position (GRCh38, 1-based): chr7:5,989,898, T duplicated on the plus strand (A on the coding strand, the reverse complement: PMS2 is on the minus strand); the first of 4 consecutive T bases (chr7:5,989,898-5,989,901); duplicating any one gives the same sequence. VCF-style (leftmost placement, unchanged base first): chr7-5989897-C-CT. GRCh37 (hg19) VCF-style: chr7-6029528-C-CT.
Other names: c.638dup, p.Leu215Alafs (NM_001018040.1, NM_001406887.1, NM_001406888.1 and 13 more transcripts); c.641dup, p.Leu215fs (NM_001322003.2, NM_001322004.2, NM_001322005.2 and 1 more transcripts); c.728dup, p.Leu244fs (NM_001322007.2, NM_001322008.2); c.113dup, p.Leu39fs (NM_001322011.2, NM_001322012.2); c.473dup, p.Leu159fs (NM_001322013.2); c.1046dup, p.Leu350fs (NM_001322014.2); c.737dup, p.Leu247fs (NM_001322015.2); c.1229dup, p.Leu412Alafs (NM_001406866.1); and 15 more; short protein forms L159fs, L215fs, L247fs, L350fs, L39fs, L244fs.
Identifiers: ClinVar variation 1775530 (VCV001775530.2), dbSNP rs2535933581, ClinGen allele CA2580076747.

ClinVar aggregate classification (germline): Pathogenic (1 of 4 stars; one submission).

Conditions:
Hereditary cancer-predisposing syndrome. Also called: Neoplastic Syndromes, Hereditary; Tumor predisposition; Hereditary Cancer Syndrome; Hereditary neoplastic syndrome. Identifiers: Orphanet 140162, MedGen C0027672, MeSH D009386, MONDO:0015356.

Submission:

Ambry Genetics
Classification: Pathogenic for Hereditary cancer-predisposing syndrome. Last evaluated: 2019-11-14. Review status: criteria provided, single submitter. Criteria: Ambry Variant Classification Scheme 2023. Collection method: clinical testing. Allele origin: germline.
Comment: The c.1046dupA pathogenic mutation, located in coding exon 10 of the PMS2 gene, results from a duplication of A at nucleotide position 1046, causing a translational frameshift with a predicted alternate stop codon (p.L350Afs*15). This alteration is expected to result in loss of function by premature protein truncation or nonsense-mediated mRNA decay. As such, this alteration is interpreted as a disease-causing mutation.